The following is an entry in ClinVar:

NM_001127208.3(TET2):c.3337G>T (p.Asp1113Tyr)

Genes: TET2 (tet methylcytosine dioxygenase 2; plus strand), TET2-AS1 (TET2 antisense RNA 1; minus strand). Cytogenetic location: 4q24.
Variant type: single nucleotide variant.
Coding change: c.3337G>T on transcript NM_001127208.3 (MANE Select); coding-DNA position 3337, G replaced by T.
Protein change: p.Asp1113Tyr; replaces aspartic acid 1113 with tyrosine.
Molecular consequence: missense variant.
Genome position (GRCh38, 1-based): chr4:105,237,279, G>T. VCF-style: chr4-105237279-G-T. GRCh37 (hg19) VCF-style: chr4-106158436-G-T.
Other names: c.3337G>T, p.Asp1113Tyr (NM_017628.4); short protein forms D1113Y.
Identifiers: ClinVar variation 3967620 (VCV003967620.1).

ClinVar aggregate classification (germline): Uncertain significance (1 of 4 stars; one submission).

Submission:

Ambry Genetics
Classification: Uncertain significance. Last evaluated: 2025-05-08. Review status: criteria provided, single submitter. Criteria: Ambry Variant Classification Scheme 2023. Collection method: clinical testing. Allele origin: germline.
Comment: The p.D1113Y variant (also known as c.3337G>T), located in coding exon 1 of the TET2 gene, results from a G to T substitution at nucleotide position 3337. The aspartic acid at codon 1113 is replaced by tyrosine, an amino acid with highly dissimilar properties. This amino acid position is conserved. In addition, the in silico prediction for this alteration is inconclusive. Based on the available evidence, the clinical significance of this variant remains unclear.